The following is an entry in ClinVar:

ClinVar aggregate classification (germline): Uncertain significance (1 of 4 stars; one submission).

Conditions:
ATM-related cancer predisposition. Also called: ATM-related cancer susceptibility. Identifiers: MedGen CN377759, MONDO:0700270.

gnomAD v4.1: 1 of 967,436 alleles (0.0001%); highest among the groups gnomAD compares: Non-Finnish European, 0.00017%; no homozygotes.

Submission:

Dasa
Classification: Uncertain significance for ATM-related cancer predisposition. Last evaluated: 2026-02-22. Review status: criteria provided, single submitter. Criteria: DASA Assertion Criteria. Collection method: clinical testing. Allele origin: germline.
Comment: NM_000051.4(ATM):c.7515+121A>G is an intronic variant. This variant is rare in population databases. Computational prediction algorithms are consistent with a deleterious effect. The currently available literature and clinical evidence are not sufficient to establish a definitive association between this variant and the reported condition. Therefore, this variant is classified as a variant of uncertain significance.

NM_000051.4(ATM):c.7515+121A>G

Genes: ATM (ATM serine/threonine kinase; plus strand), C11orf65 (chromosome 11 open reading frame 65; minus strand). Cytogenetic location: 11q22.3.
Variant type: single nucleotide variant.
Coding change: c.7515+121A>G on transcript NM_000051.4 (MANE Select); 121 bases into the intron after coding-DNA position 7515, A replaced by G.
Molecular consequence: intron variant.
Genome position (GRCh38, 1-based): chr11:108,330,542, A>G. VCF-style: chr11-108330542-A-G. GRCh37 (hg19) VCF-style: chr11-108201269-A-G.
Other names: c.7515+121A>G (NM_001351834.2); c.641-21471T>C (NM_001330368.2); c.*38+4678T>C (NM_001351110.2).
Identifiers: ClinVar variation 4882654 (VCV004882654.2).